The following is an entry in ClinVar:

NM_002025.4(AFF2):c.613C>A (p.Gln205Lys)

Gene: AFF2 (ALF transcription elongation factor 2; plus strand). Cytogenetic location: Xq28.
Variant type: single nucleotide variant.
Coding change: c.613C>A on transcript NM_002025.4 (MANE Select); coding-DNA position 613, C replaced by A.
Protein change: p.Gln205Lys; replaces glutamine 205 with lysine.
Molecular consequence: missense variant.
Genome position (GRCh38, 1-based): chrX:148,662,340, C>A. VCF-style: chrX-148662340-C-A. GRCh37 (hg19) VCF-style: chrX-147743861-C-A.
Other names: c.601C>A, p.Gln201Lys (NM_001169122.2, NM_001169123.2, NM_001169125.2); c.613C>A, p.Gln205Lys (NM_001169124.2); c.613C>A (NM_002025.2); short protein forms Q201K, Q205K.
Identifiers: ClinVar variation 2619624 (VCV002619624.3), dbSNP rs781919576, ClinGen allele CA10536829.

ClinVar aggregate classification (germline): Uncertain significance. Review status: criteria provided, multiple submitters, no conflicts (2 of 4 stars). 2 submissions from 2 submitters: Uncertain significance (2). Last evaluated 2025-02-22.

Conditions:
Inborn genetic diseases. Identifiers: MedGen C0950123, MeSH D030342.

Allele frequency attached by ClinVar (database versions not stated): ExAC 0.00001.
gnomAD v4.1: 1 of 1,211,900 alleles (0.000083%); no homozygotes.

Submissions (2):

GeneDx
Classification: Uncertain significance. Last evaluated: 2025-02-22. Review status: criteria provided, single submitter. Criteria: GeneDx Variant Classification Process June 2021. Collection method: clinical testing. Allele origin: germline. Affected: yes.
Comment: Not observed at significant frequency in large population cohorts (gnomAD); In silico analysis indicates that this missense variant does not alter protein structure/function; Has not been previously published as pathogenic or benign to our knowledge

Ambry Genetics
Classification: Uncertain significance for Inborn genetic diseases. Last evaluated: 2023-08-20. Review status: criteria provided, single submitter. Criteria: Ambry Variant Classification Scheme 2023. Collection method: clinical testing. Allele origin: germline.